The following is an entry in ClinVar:

ClinVar aggregate classification (germline): Likely benign. Review status: criteria provided, multiple submitters, no conflicts (2 of 4 stars). 2 submissions from 2 submitters: Likely benign (2). Last evaluated 2025-09-23.

Allele frequency attached by ClinVar (database versions not stated): gnomAD 0.00002; gnomAD exomes 0.00003; ExAC 0.00005; TOPMed 0.00005.
gnomAD v4.1: 49 of 1,613,876 alleles (0.003%); highest among the groups gnomAD compares: Non-Finnish European, 0.0041%; no homozygotes.

Submissions (2):

Labcorp Genetics (formerly Invitae), Labcorp
Classification: Likely benign. Last evaluated: 2025-09-23. Review status: criteria provided, single submitter. Criteria: Invitae Variant Classification Sherloc (09022015). Collection method: clinical testing. Allele origin: germline.

CeGaT Center for Human Genetics Tuebingen
Classification: Likely benign. Last evaluated: 2022-09-01. Review status: criteria provided, single submitter. Criteria: CeGaT Center For Human Genetics Tuebingen Variant Classification Criteria Version 2. Collection method: clinical testing. Allele origin: germline. Affected: yes. Observed: 1 variant allele.
Comment: PCLO: BP4, BP7

NM_033026.6(PCLO):c.1341A>T (p.Gly447=)

Gene: PCLO (piccolo presynaptic cytomatrix protein; minus strand). Cytogenetic location: 7q21.11.
Variant type: single nucleotide variant.
Coding change: c.1341A>T on transcript NM_033026.6 (MANE Select); coding-DNA position 1341, A replaced by T.
Protein change: p.Gly447=; no amino-acid change (glycine 447 retained).
Molecular consequence: synonymous variant.
Genome position (GRCh38, 1-based): chr7:83,155,300, T>A on the plus strand (A>T on the coding strand, the complement: PCLO is on the minus strand). VCF-style: chr7-83155300-T-A. GRCh37 (hg19) VCF-style: chr7-82784616-T-A.
Other names: c.1341A>T, p.Gly447= (NM_014510.3).
Identifiers: ClinVar variation 1473641 (VCV001473641.32), dbSNP rs748424281, ClinGen allele CA4321480.
Genomic context (GRCh38, chr7:83,155,300, plus strand): 5'-TGTTGGGCCAGTCTGCTGGGCAGAAGTCTTTCCGGGTCCTGCCTGTTGAGCTGGAATCTT[T>A]CCTGGCCCAGGCTGCTGAACTGGAGTCTTTGTAGGCCCAGGTGCCTTAGCTGGAGACTGT-3'
Protein context (NP_149015.2, residues 437-457): TKTPVQQPGP[Gly447=]KIPAQQAGPG